The following is an entry in ClinVar:

ClinVar aggregate classification (germline): Uncertain significance. Review status: criteria provided, multiple submitters, no conflicts (2 of 4 stars). 2 submissions from 2 submitters: Uncertain significance (2). Last evaluated 2025-01-21.

Conditions:
Inborn genetic diseases. Identifiers: MedGen C0950123, MeSH D030342.

gnomAD v4.1: 1 of 1,613,996 alleles (0.000062%); highest among the groups gnomAD compares: Non-Finnish European, 0.000085%; no homozygotes.

Submissions (2):

Ambry Genetics
Classification: Uncertain significance for Inborn genetic diseases. Last evaluated: 2025-01-21. Review status: criteria provided, single submitter. Criteria: Ambry Variant Classification Scheme 2023. Collection method: clinical testing. Allele origin: germline.

Mayo Clinic Laboratories, Mayo Clinic
Classification: Uncertain significance. Last evaluated: 2024-08-14. Review status: criteria provided, single submitter. Criteria: ACMG Guidelines, 2015. Collection method: clinical testing. Allele origin: germline. Observed: 1 variant allele.
Comment: BP4_strong, PM2

NM_005245.4(FAT1):c.6904G>A (p.Val2302Ile)

Gene: FAT1 (FAT atypical cadherin 1; minus strand). Cytogenetic location: 4q35.2.
Variant type: single nucleotide variant.
Coding change: c.6904G>A on transcript NM_005245.4 (MANE Select); coding-DNA position 6904, G replaced by A.
Protein change: p.Val2302Ile; replaces valine 2302 with isoleucine.
Molecular consequence: missense variant.
Genome position (GRCh38, 1-based): chr4:186,619,682, C>T on the plus strand (G>A on the coding strand, the complement: FAT1 is on the minus strand). VCF-style: chr4-186619682-C-T. GRCh37 (hg19) VCF-style: chr4-187540836-C-T.
Other names: p.Val2302Ile; c.6904G>A (NM_005245.3); short protein forms V2302I.
Identifiers: ClinVar variation 3379576 (VCV003379576.2).